The following is an entry in ClinVar:

ClinVar aggregate classification (germline): Uncertain significance (1 of 4 stars; one submission).

Submission:

GeneDx
Classification: Uncertain significance. Last evaluated: 2024-04-01. Review status: criteria provided, single submitter. Criteria: GeneDx Variant Classification Process June 2021. Collection method: clinical testing. Allele origin: germline. Affected: yes.
Comment: Not observed at significant frequency in large population cohorts (gnomAD); In silico analysis supports that this missense variant does not alter protein structure/function; Has not been previously published as pathogenic or benign to our knowledge

NM_001303256.3(MORC2):c.2924C>T (p.Ala975Val)

Gene: MORC2 (MORC family CW-type zinc finger 2; minus strand). Cytogenetic location: 22q12.2.
Variant type: single nucleotide variant.
Coding change: c.2924C>T on transcript NM_001303256.3 (MANE Select); coding-DNA position 2924, C replaced by T.
Protein change: p.Ala975Val; replaces alanine 975 with valine.
Molecular consequence: missense variant.
Genome position (GRCh38, 1-based): chr22:30,928,125, G>A on the plus strand (C>T on the coding strand, the complement: MORC2 is on the minus strand). VCF-style: chr22-30928125-G-A. GRCh37 (hg19) VCF-style: chr22-31324112-G-A.
Other names: c.2924C>T, p.Ala975Val (NM_001303257.2); c.2738C>T, p.Ala913Val (NM_014941.3); short protein forms A913V, A975V.
Identifiers: ClinVar variation 3371910 (VCV003371910.1).